The following is an entry in ClinVar:

ClinVar aggregate classification (germline): Uncertain significance. Review status: criteria provided, multiple submitters, no conflicts (2 of 4 stars). 3 submissions from 3 submitters: Uncertain significance (3). Last evaluated 2023-06-22.

Conditions:
Propionic acidemia (PROP). Also called: GLYCINEMIA, KETOTIC; HYPERGLYCINEMIA WITH KETOACIDOSIS AND LEUKOPENIA; KETOTIC HYPERGLYCINEMIA. Identifiers: Orphanet 35, MedGen C0268579, MONDO:0011628, OMIM 606054, HP:0003571.

Allele frequency attached by ClinVar (database versions not stated): ExAC 0.00002.
gnomAD v4.1: 12 of 1,598,002 alleles (0.00075%); highest among the groups gnomAD compares: South Asian, 0.0088%; no homozygotes.

Submissions (3):

Neuberg Centre For Genomic Medicine, NCGM
Classification: Uncertain significance for Propionic acidemia. Last evaluated: 2023-06-22. Review status: criteria provided, single submitter. Criteria: ACMG Guidelines, 2015. Collection method: clinical testing. Allele origin: germline. Inheritance: Autosomal recessive inheritance. Affected: yes.
Comment: The missense variant c.652A>G (p.Lys218Glu) in PCCB gene has not been reported previously as a pathogenic variant nor as a benign variant, to our knowledge. The p.Lys218Glu variant is present with allele frequency of 0.001% in gnomAD exomes database. This variant has been submitted to the ClinVar database as Uncertain Significance (VUS). Multiple lines of computational evidence (Polyphen - benign, SIFT - tolerated and MutationTaster - disease causing) predicts conflicting evidence on protein structure and function for this variant The reference amino acid at this position on PCCB gene is predicted as conserved by GERP++ and PhyloP across 100 vertebrates. The amino acid Lys at position 218 is changed to a Glu changing protein sequence and it might alter its composition and physico-chemical properties. For these reasons, this variant has been classified as Uncertain Significance (VUS).

Labcorp Genetics (formerly Invitae), Labcorp
Classification: Uncertain significance for Propionic acidemia. Last evaluated: 2022-04-20. Review status: criteria provided, single submitter. Criteria: Invitae Variant Classification Sherloc (09022015). Collection method: clinical testing. Allele origin: germline.
Comment: This sequence change replaces lysine, which is basic and polar, with glutamic acid, which is acidic and polar, at codon 218 of the PCCB protein (p.Lys218Glu). This variant is present in population databases (rs781576125, gnomAD 0.01%). This variant has not been reported in the literature in individuals affected with PCCB-related conditions. Algorithms developed to predict the effect of missense changes on protein structure and function are either unavailable or do not agree on the potential impact of this missense change (SIFT: "Deleterious"; PolyPhen-2: "Benign"; Align-GVGD: "Class C15"). Algorithms developed to predict the effect of sequence changes on RNA splicing suggest that this variant may create or strengthen a splice site. In summary, the available evidence is currently insufficient to determine the role of this variant in disease. Therefore, it has been classified as a Variant of Uncertain Significance.

Breakthrough Genomics
Classification: Uncertain significance. Review status: criteria provided, single submitter. Criteria: ACMG Guidelines, 2015. Collection method: not provided. Allele origin: germline. Inheritance: Autosomal recessive inheritance. Affected: yes.

NM_000532.5(PCCB):c.652A>G (p.Lys218Glu)

Gene: PCCB (propionyl-CoA carboxylase subunit beta; plus strand). Cytogenetic location: 3q22.3.
Variant type: single nucleotide variant.
Coding change: c.652A>G on transcript NM_000532.5 (MANE Select); coding-DNA position 652, A replaced by G.
Protein change: p.Lys218Glu; replaces lysine 218 with glutamic acid.
Molecular consequence: missense variant.
Genome position (GRCh38, 1-based): chr3:136,283,945, A>G. VCF-style: chr3-136283945-A-G. GRCh37 (hg19) VCF-style: chr3-136002787-A-G.
Other names: c.712A>G, p.Lys238Glu (NM_001178014.2); short protein forms K218E, K238E.
Identifiers: ClinVar variation 2156039 (VCV002156039.3), dbSNP rs781576125, ClinGen allele CA2631805.
Genomic context (GRCh38, chr3:136,283,945, plus strand): 5'-GGCCCATGTGCTGGTGGGGCCGTCTACTCCCCAGCCCTAACAGACTTCACGTTCATGGTA[A>G]AGGTAAGAAAGAAGGGCCTGTTTTTGGTGCCGTTTGAGATTTGTGCAGTTCCTTACCTGC-3'
Protein context (NP_000523.2, residues 208-228): PALTDFTFMV[Lys218Glu]DTSYLFITGP